The following is an entry in ClinVar:

NM_000525.4(KCNJ11):c.556C>T (p.His186Tyr)

Gene: KCNJ11 (potassium inwardly rectifying channel subfamily J member 11; minus strand). Cytogenetic location: 11p15.1.
Variant type: single nucleotide variant.
Coding change: c.556C>T on transcript NM_000525.4 (MANE Select); coding-DNA position 556, C replaced by T.
Protein change: p.His186Tyr; replaces histidine 186 with tyrosine.
Molecular consequence: missense variant.
Genome position (GRCh38, 1-based): chr11:17,387,536, G>A on the plus strand (C>T on the coding strand, the complement: KCNJ11 is on the minus strand). VCF-style: chr11-17387536-G-A. GRCh37 (hg19) VCF-style: chr11-17409083-G-A.
Other names: c.295C>T, p.His99Tyr (NM_001377296.1, NM_001377297.1, NM_001166290.2); c.556C>T (NM_000525.3); short protein forms H99Y, H186Y.
Identifiers: ClinVar variation 3013783 (VCV003013783.5), dbSNP rs2133380076, ClinGen allele CA379772721.
Genomic context (GRCh38, chr11:17,387,536, plus strand): 5'-GGAGGTCACCCACACGTAGCATGAAGCAGAGGCGGCCGTGGCGCAGGGCGATCACCGCAT[G>A]CTTGCTGAAGATGAGGGTCTCAGCCCTGCGGTGGGCTTGGGCAGTCTTCATGAAGATGCA-3'
Protein context (NP_000516.3, residues 176-196): RRAETLIFSK[His186Tyr]AVIALRHGRL

ClinVar aggregate classification (germline): Conflicting classifications of pathogenicity. Review status: criteria provided, conflicting classifications (1 of 4 stars). 3 submissions from 3 submitters: Likely pathogenic (1); Uncertain significance (2). Last evaluated 2025-11-13.

Allele frequency attached by ClinVar (database versions not stated): gnomAD exomes below 0.00001.

Submissions (3):

Women's Health and Genetics/Laboratory Corporation of America, LabCorp
Classification: Uncertain significance. Last evaluated: 2025-11-13. Review status: criteria provided, single submitter. Criteria: LabCorp Variant Classification Summary - May 2015. Collection method: clinical testing. Allele origin: germline.
Comment: Variant summary: KCNJ11 c.556C>T (p.His186Tyr) results in a conservative amino acid change in the encoded protein sequence. Algorithms developed to predict the effect of missense changes on protein structure and function are either unavailable or do not agree on the potential impact of this missense change. The variant was absent in 247860 control chromosomes. The available data on variant occurrences in the general population are insufficient to allow any conclusion about variant significance. To our knowledge, no occurrence of c.556C>T in individuals affected with KCNJ11-related conditions and no experimental evidence demonstrating its impact on protein function have been reported. ClinVar contains an entry for this variant (Variation ID: 3013783). Based on the evidence outlined above, the variant was classified as uncertain significance.

GeneDx
Classification: Uncertain significance. Last evaluated: 2024-03-07. Review status: criteria provided, single submitter. Criteria: GeneDx Variant Classification Process June 2021. Collection method: clinical testing. Allele origin: germline. Affected: yes.
Comment: Not observed at significant frequency in large population cohorts (gnomAD); In silico analysis supports that this missense variant has a deleterious effect on protein structure/function; Has not been previously published as pathogenic or benign to our knowledge

Labcorp Genetics (formerly Invitae), Labcorp
Classification: Likely pathogenic. Last evaluated: 2023-12-27. Review status: criteria provided, single submitter. Criteria: Invitae Variant Classification Sherloc (09022015). Collection method: clinical testing. Allele origin: germline.
Comment: This sequence change replaces histidine, which is basic and polar, with tyrosine, which is neutral and polar, at codon 186 of the KCNJ11 protein (p.His186Tyr). This variant is not present in population databases (gnomAD no frequency). This variant has not been reported in the literature in individuals affected with KCNJ11-related conditions. Advanced modeling of protein sequence and biophysical properties (such as structural, functional, and spatial information, amino acid conservation, physicochemical variation, residue mobility, and thermodynamic stability) performed at Invitae indicates that this missense variant is expected to disrupt KCNJ11 protein function with a positive predictive value of 95%. This variant disrupts the p.His186 amino acid residue in KCNJ11. Other variant(s) that disrupt this residue have been determined to be pathogenic (PMID: 24622368; Invitae). This suggests that this residue is clinically significant, and that variants that disrupt this residue are likely to be disease-causing. In summary, the currently available evidence indicates that the variant is pathogenic, but additional data are needed to prove that conclusively. Therefore, this variant has been classified as Likely Pathogenic.

Literature cited by the submitters: PubMed 24622368 (cited by Labcorp Genetics (formerly Invitae), Labcorp).